The following is an entry in ClinVar:

ClinVar aggregate classification (germline): Uncertain significance (1 of 4 stars; one submission).

Submission:

GeneDx
Classification: Uncertain significance. Last evaluated: 2026-02-23. Review status: criteria provided, single submitter. Criteria: GeneDx Variant Classification Process June 2021. Collection method: clinical testing. Allele origin: germline.
Comment: Not observed at significant frequency in large population cohorts (gnomAD); In silico analysis suggests that this missense variant does not alter protein structure/function; Has not been previously published as pathogenic or benign to our knowledge

NM_015215.4(CAMTA1):c.3826A>C (p.Ser1276Arg)

Genes: CAMTA1 (calmodulin binding transcription activator 1; plus strand), LOC126805603 (CDK7 strongly-dependent group 2 enhancer GRCh37_chr1:7798026-7799225; plus strand). Cytogenetic location: 1p36.23.
Variant type: single nucleotide variant.
Coding change: c.3826A>C on transcript NM_015215.4 (MANE Select); coding-DNA position 3826, A replaced by C.
Protein change: p.Ser1276Arg; replaces serine 1276 with arginine.
Molecular consequence: missense variant. On other transcripts: intron variant (13).
Genome position (GRCh38, 1-based): chr1:7,738,126, A>C. VCF-style: chr1-7738126-A-C. GRCh37 (hg19) VCF-style: chr1-7798186-A-C.
Other names: c.3736A>C, p.Ser1246Arg (NM_001349608.2); c.955A>C, p.Ser319Arg (NM_001349613.1); c.898A>C, p.Ser300Arg (NM_001349614.1, NM_001349615.2, NM_001349616.2 and 2 more transcripts); c.3659-172A>C (NM_001349609.2, NM_001349610.2, NM_001410737.1); c.3587-172A>C (NM_001410738.1); c.3569-172A>C (NM_001349612.2); c.731-172A>C (NM_001349620.1, NM_001349621.1, NM_001349625.2 and 5 more transcripts); short protein forms S1246R, S1276R, S319R, S300R.
Identifiers: ClinVar variation 5010076 (VCV005010076.1).
Genomic context (GRCh38, chr1:7,738,126, plus strand): 5'-AGGCAGGAGAAGCTGCTTCCCACTGCACTGAGTCTGGAAGAGCCAAATATCAGGAAGCAA[A>C]GCCCTAGTTCTAAGCAGTCTGTCCCCGAGACACTCAGCCCCAGTGAAGGAGTGAGGGACT-3'
Protein context (NP_056030.1, residues 1266-1286): SLEEPNIRKQ[Ser1276Arg]PSSKQSVPET